The following is an entry in ClinVar:

NM_004900.5(APOBEC3B):c.174+1G>T

Gene: APOBEC3B (apolipoprotein B mRNA editing enzyme catalytic subunit 3B; plus strand). Cytogenetic location: 22q13.1.
Variant type: single nucleotide variant.
Coding change: c.174+1G>T on transcript NM_004900.5 (MANE Select); the canonical splice donor site of the intron after coding-DNA position 174, G replaced by T.
Molecular consequence: splice donor variant.
Genome position (GRCh38, 1-based): chr22:38,984,232, G>T. VCF-style: chr22-38984232-G-T. GRCh37 (hg19) VCF-style: chr22-39380237-G-T.
Other names: c.174+1G>T (NM_001270411.2).
Identifiers: ClinVar variation 1050472 (VCV001050472.2), dbSNP rs149211753, ClinGen allele CA10237300.

ClinVar aggregate classification (germline): Uncertain significance. Review status: criteria provided, single submitter (1 of 4 stars). 2 submissions from 2 submitters: Uncertain significance (1). 1 of the submissions does not count toward it.

Allele frequency attached by ClinVar (database versions not stated): gnomAD exomes 0.00009 and 0.00031; ExAC 0.00037; 1000 Genomes Project 30x 0.00094; 1000 Genomes Project 0.00100; gnomAD 0.00105 and 0.00108; TOPMed 0.00113; ESP Exome Variant Server 0.00124.
gnomAD v4.1: 291 of 1,591,090 alleles (0.018%); highest among the groups gnomAD compares: African/African-American, 0.34%; 20 homozygotes.

Submissions (2):

Breakthrough Genomics
Classification: Uncertain significance. Review status: criteria provided, single submitter. Criteria: ACMG Guidelines, 2015. Collection method: not provided. Allele origin: germline. Inheritance: Autosomal dominant inheritance. Affected: yes.

Department of Pathology and Laboratory Medicine, Sinai Health System
Classification: Uncertain significance. Review status: no assertion criteria provided. Collection method: clinical testing. Allele origin: unknown. Affected: yes. Study: The Canadian Open Genetics Repository (COGR). Not counted in ClinVar's aggregate classification.
Comment: The APOBEC3B c.174+1G>T variant was not identified in the literature nor was it identified in ClinVar, Cosmic or LOVD3.0. The variant was identified in dbSNP (ID: rs149211753) and in control databases in 113 of 272910 chromosomes (12 homozygous) at a frequency of 0.000414 increasing the likelihood this could be a low frequency benign variant (Genome Aggregation Database Feb 27, 2017). The variant was observed in the following populations: African in 94 of 24752 chromosomes (freq: 0.003798), Latino in 15 of 31996 chromosomes (freq: 0.000469), Other in 2 of 7058 chromosomes (freq: 0.000283) and European (non-Finnish) in 2 of 127466 chromosomes (freq: 0.000016), while the variant was not observed in the Ashkenazi Jewish, East Asian, European (Finnish) and South Asian populations. The c.174+1G>T variant is predicted to cause abnormal splicing because the nucleotide substitution occurs in the invariant region of the splice consensus sequence and 4 of 4 in silico or computational prediction software programs, (SpliceSiteFinder, MaxEntScan, NNSPLICE, GeneSplicer) predict the loss of the canonical 5' splice site. However, this information is not predictive enough to assume pathogenicity. In summary, based on the above information the clinical significance of this variant cannot be determined with certainty at this time. This variant is classified as a variant of uncertain significance.